The following is an entry in ClinVar:

NM_001370298.3(FGD4):c.1046A>G (p.Asn349Ser)

Gene: FGD4 (FYVE, RhoGEF and PH domain containing 4; plus strand). Cytogenetic location: 12p11.21.
Variant type: single nucleotide variant.
Coding change: c.1046A>G on transcript NM_001370298.3 (MANE Select); coding-DNA position 1046, A replaced by G.
Protein change: p.Asn349Ser; replaces asparagine 349 with serine.
Molecular consequence: missense variant. On other transcripts: 5 prime UTR variant (2).
Genome position (GRCh38, 1-based): chr12:32,598,531, A>G. VCF-style: chr12-32598531-A-G. GRCh37 (hg19) VCF-style: chr12-32751465-A-G.
Other names: c.890A>G, p.Asn297Ser (NM_001304481.2); c.-210A>G (NM_001304483.2); c.-517A>G (NM_001304484.2); c.356A>G, p.Asn119Ser (NM_001330373.2, NM_001330374.2, NM_001384130.1); c.83A>G, p.Asn28Ser (NM_001370297.1); c.1046A>G, p.Asn349Ser (NM_001384126.1); c.635A>G, p.Asn212Ser (NM_001384127.1, NM_001384128.1, NM_001385118.1 and 1 more transcripts); short protein forms N297S, N212S, N119S, N28S, N349S.
Identifiers: ClinVar variation 543490 (VCV000543490.19), dbSNP rs147969494, ClinGen allele CA6506682.

ClinVar aggregate classification (germline): Conflicting classifications of pathogenicity. Review status: criteria provided, conflicting classifications (1 of 4 stars). 6 submissions from 6 submitters: Uncertain significance (3); Likely benign (3). Last evaluated 2026-07-01.

Conditions:
FGD4-related disorder. Also called: FGD4-related condition.
Charcot-Marie-Tooth disease type 4. Also called: Charcot-Marie-Tooth disease, type IV; Charcot-Marie-Tooth, Type 4. Identifiers: Orphanet 64749, MedGen C4082197, MONDO:0018995.
Inborn genetic diseases. Identifiers: MedGen C0950123, MeSH D030342.
Charcot-Marie-Tooth disease type 4H (CMT4H). Also called: CHARCOT-MARIE-TOOTH DISEASE, DEMYELINATING, TYPE 4H; CHARCOT-MARIE-TOOTH DISEASE, AUTOSOMAL RECESSIVE, TYPE 4H; CHARCOT-MARIE-TOOTH DISEASE, DEMYELINATING, AUTOSOMAL RECESSIVE, TYPE 4H; CHARCOT-MARIE-TOOTH NEUROPATHY, TYPE 4H. Identifiers: Orphanet 99954, MedGen C1836336, MONDO:0012250, OMIM 609311.

Allele frequency attached by ClinVar (database versions not stated): ESP Exome Variant Server 0.00008; gnomAD exomes 0.00010 and 0.00019; ExAC 0.00012; gnomAD 0.00013 and 0.00014; TOPMed 0.00013.
gnomAD v4.1: 188 of 1,613,706 alleles (0.012%); highest among the groups gnomAD compares: Middle Eastern, 0.017%; no homozygotes.

Submissions (6):

CeGaT Center for Human Genetics Tuebingen
Classification: Uncertain significance. Last evaluated: 2026-07-01. Review status: criteria provided, single submitter. Criteria: CeGaT Center For Human Genetics Tuebingen Variant Classification Criteria Version 2. Collection method: clinical testing. Allele origin: germline. Affected: yes. Observed: 1 variant allele.
Comment: FGD4: PM2, BP4

Labcorp Genetics (formerly Invitae), Labcorp
Classification: Likely benign for Charcot-Marie-Tooth disease type 4. Last evaluated: 2025-11-04. Review status: criteria provided, single submitter. Criteria: Invitae Variant Classification Sherloc (09022015). Collection method: clinical testing. Allele origin: germline.

PreventionGenetics, part of Exact Sciences
Classification: Likely benign for FGD4-related condition. Last evaluated: 2025-10-22. Review status: criteria provided, single submitter. Criteria: ACMG Guidelines, 2015. Collection method: clinical testing. Allele origin: germline.
Comment: This variant is classified as likely benign based on ACMG/AMP sequence variant interpretation guidelines (Richards et al. 2015 PMID: 25741868, with internal and published modifications).

Ambry Genetics
Classification: Likely benign for Inborn genetic diseases. Last evaluated: 2023-07-26. Review status: criteria provided, single submitter. Criteria: Ambry Variant Classification Scheme 2023. Collection method: clinical testing. Allele origin: germline.

Department of Pathology and Laboratory Medicine, Sinai Health System
Classification: Uncertain significance for Charcot-Marie-Tooth disease type 4H. Last evaluated: 2020-07-14. Review status: criteria provided, single submitter. Criteria: ACMG Guidelines, 2015. Collection method: research. Allele origin: germline.

Illumina Laboratory Services, Illumina
Classification: Uncertain significance for Charcot-Marie-Tooth disease type 4H. Last evaluated: 2018-01-12. Review status: criteria provided, single submitter. Criteria: ICSL Variant Classification Criteria 13 December 2019. Collection method: clinical testing. Allele origin: germline.

Literature cited by the submitters: PubMed 28518168 (cited by Ambry Genetics); PubMed 32461654 (cited by Ambry Genetics).